The following is an entry in ClinVar:

NM_001040142.2(SCN2A):c.2539T>C (p.Ser847Pro)

Gene: SCN2A (sodium voltage-gated channel alpha subunit 2; plus strand). Cytogenetic location: 2q24.3.
Variant type: single nucleotide variant.
Coding change: c.2539T>C on transcript NM_001040142.2 (MANE Select); coding-DNA position 2539, T replaced by C.
Protein change: p.Ser847Pro; replaces serine 847 with proline.
Molecular consequence: missense variant.
Genome position (GRCh38, 1-based): chr2:165,342,446, T>C. VCF-style: chr2-165342446-T-C. GRCh37 (hg19) VCF-style: chr2-166198956-T-C.
Other names: c.2539T>C, p.Ser847Pro (NM_001040143.2, NM_001371246.1, NM_001371247.1 and 1 more transcripts); short protein forms S847P.
Identifiers: ClinVar variation 858238 (VCV000858238.7), dbSNP rs1699366480, ClinGen allele CA349012857.
Genomic context (GRCh38, chr2:165,342,446, plus strand): 5'-GATGGTTTTATTGTGAGCCTTAGTTTAATGGAACTTGGTTTGGCAAATGTGGAAGGATTG[T>C]CAGTTCTCCGATCATTCCGGCTGGTAAATTAACTGGGAGTGTTCATAAAATGTACTTTGT-3'
Protein context (NP_001035232.1, residues 837-857): ELGLANVEGL[Ser847Pro]VLRSFRLLRV

ClinVar aggregate classification (germline): Conflicting classifications of pathogenicity. Review status: criteria provided, conflicting classifications (1 of 4 stars). 3 submissions from 3 submitters: Likely pathogenic (1); Uncertain significance (2). Last evaluated 2023-06-22.

Conditions:
Seizures, benign familial infantile, 3 (BFIS3). Also called: CONVULSIONS, BENIGN FAMILIAL INFANTILE, 3; Familial neonatal seizures. Identifiers: Orphanet 140927, Orphanet 306, MedGen C1843140, MONDO:0011904, OMIM 607745.
Developmental and epileptic encephalopathy, 11 (DEE11). Also called: Early infantile epileptic encephalopathy 11. Identifiers: Orphanet 1934, MedGen C3150987, MONDO:0013388, OMIM 613721.
SCN2A-related disorder. Also called: SCN2A-related condition; SCN2A-related disorders. Identifiers: MedGen CN382226, MONDO:1060245.

Submissions (3):

Neuberg Centre For Genomic Medicine, NCGM
Classification: Uncertain significance for Seizures, benign familial infantile, 3. Last evaluated: 2023-06-22. Review status: criteria provided, single submitter. Criteria: ACMG Guidelines, 2015. Collection method: clinical testing. Allele origin: germline. Inheritance: Autosomal dominant inheritance. Affected: yes.
Comment: The missense variant c.2539T>C (p.Ser847Pro) in the SCN2A gene has not been reported previously as a pathogenic variant nor as a benign variant, to our knowledge. This variant is absent in the gnomAD Exomes. This variant has been reported to the ClinVar database as Uncertain Significance. However, no details are available for independent assessment. The amino acid Ser at position 847 is changed to a Pro changing protein sequence and it might alter its composition and physico-chemical properties. Multiple lines of computational evidence (Polyphen - Damaging, SIFT - Damaging and MutationTaster - Disease causing) predict a damaging effect on protein structure and function for this variant. The amino acid change p.Ser847Pro in SCN2A is predicted as conserved by GERP++ and PhyloP across 100 vertebrates. For these reasons, this variant has been classified as Uncertain Significance

PreventionGenetics, part of Exact Sciences
Classification: Likely pathogenic for SCN2A-related condition. Last evaluated: 2022-09-29. Review status: criteria provided, single submitter. Criteria: ACMG Guidelines, 2015. Collection method: clinical testing. Allele origin: germline.
Comment: The SCN2A c.2539T>C variant is predicted to result in the amino acid substitution p.Ser847Pro. To our knowledge, this variant has not been reported in the literature or in a large population database, indicating this variant is rare. This variant is interpreted as likely pathogenic.

Labcorp Genetics (formerly Invitae), Labcorp
Classification: Uncertain significance for Seizures, benign familial infantile, 3; Developmental and epileptic encephalopathy, 11. Last evaluated: 2021-09-02. Review status: criteria provided, single submitter. Criteria: Invitae Variant Classification Sherloc (09022015). Collection method: clinical testing. Allele origin: germline.